The following is an entry in ClinVar:

NM_005591.4(MRE11):c.1920T>A (p.Tyr640Ter)

Gene: MRE11 (MRE11 double strand break repair nuclease; minus strand). Cytogenetic location: 11q21.
Variant type: single nucleotide variant.
Coding change: c.1920T>A on transcript NM_005591.4 (MANE Select); coding-DNA position 1920, T replaced by A.
Protein change: p.Tyr640Ter; replaces tyrosine 640 with a stop codon.
Molecular consequence: nonsense.
Genome position (GRCh38, 1-based): chr11:94,437,183, A>T on the plus strand (T>A on the coding strand, the complement: MRE11 is on the minus strand). VCF-style: chr11-94437183-A-T. GRCh37 (hg19) VCF-style: chr11-94170349-A-T.
Other names: c.1917T>A, p.Tyr639Ter (NM_001330347.2); c.1836T>A, p.Tyr612Ter (NM_005590.4); short protein forms Y612*, Y640*, Y639*.
Identifiers: ClinVar variation 2041094 (VCV002041094.4), dbSNP rs1299953525, ClinGen allele CA382374599.

ClinVar aggregate classification (germline): Pathogenic (1 of 4 stars; one submission).

Conditions:
Ataxia-telangiectasia-like disorder (ATLD). Identifiers: MedGen C1858391, MONDO:0011457.

Submission:

Labcorp Genetics (formerly Invitae), Labcorp
Classification: Pathogenic for Ataxia-telangiectasia-like disorder. Last evaluated: 2022-06-19. Review status: criteria provided, single submitter. Criteria: Invitae Variant Classification Sherloc (09022015). Collection method: clinical testing. Allele origin: germline.
Comment: For these reasons, this variant has been classified as Pathogenic. This sequence change creates a premature translational stop signal (p.Tyr640*) in the MRE11 gene. It is expected to result in an absent or disrupted protein product. Loss-of-function variants in MRE11 are known to be pathogenic (PMID: 23080121, 23912341). This variant is not present in population databases (gnomAD no frequency). This variant has not been reported in the literature in individuals affected with MRE11-related conditions.

Literature cited by the submitters: PubMed 23080121; PubMed 23912341.